The following is an entry in ClinVar:

NM_003737.4(DCHS1):c.977G>A (p.Arg326Gln)

Gene: DCHS1 (dachsous cadherin-related 1; minus strand). Cytogenetic location: 11p15.4.
Variant type: single nucleotide variant.
Coding change: c.977G>A on transcript NM_003737.4 (MANE Select); coding-DNA position 977, G replaced by A.
Protein change: p.Arg326Gln; replaces arginine 326 with glutamine.
Molecular consequence: missense variant.
Genome position (GRCh38, 1-based): chr11:6,640,637, C>T on the plus strand (G>A on the coding strand, the complement: DCHS1 is on the minus strand). VCF-style: chr11-6640637-C-T. GRCh37 (hg19) VCF-style: chr11-6661868-C-T.
Other names: c.977G>A (NM_003737.2); short protein forms R326Q.
Identifiers: ClinVar variation 2416906 (VCV002416906.9), dbSNP rs1160586799, ClinGen allele CA379438252.

ClinVar aggregate classification (germline): Uncertain significance. Review status: criteria provided, multiple submitters, no conflicts (2 of 4 stars). 3 submissions from 3 submitters: Uncertain significance (3). Last evaluated 2026-01-04.

Conditions:
Van Maldergem syndrome 1 (VMLDS1). Also called: Van Maldergem syndrome 1 (VMLDS1). Identifiers: Orphanet 314679, MedGen C4551950, MONDO:0011070, OMIM 601390.
Inborn genetic diseases. Identifiers: MedGen C0950123, MeSH D030342.

Allele frequency attached by ClinVar (database versions not stated): gnomAD exomes 0.00001; gnomAD 0.00001; TOPMed 0.00001.
gnomAD v4.1: 11 of 1,611,548 alleles (0.00068%); highest among the groups gnomAD compares: East Asian, 0.0022%; no homozygotes.

Submissions (3):

Labcorp Genetics (formerly Invitae), Labcorp
Classification: Uncertain significance. Last evaluated: 2026-01-04. Review status: criteria provided, single submitter. Criteria: Invitae Variant Classification Sherloc (09022015). Collection method: clinical testing. Allele origin: germline.
Comment: This sequence change replaces arginine, which is basic and polar, with glutamine, which is neutral and polar, at codon 326 of the DCHS1 protein (p.Arg326Gln). This variant is present in population databases (no rsID available, gnomAD 0.003%). This variant has not been reported in the literature in individuals affected with DCHS1-related conditions. ClinVar contains an entry for this variant (Variation ID: 2416906). Invitae Evidence Modeling of protein sequence and biophysical properties (such as structural, functional, and spatial information, amino acid conservation, physicochemical variation, residue mobility, and thermodynamic stability) indicates that this missense variant is not expected to disrupt DCHS1 protein function with a negative predictive value of 95%. In summary, the available evidence is currently insufficient to determine the role of this variant in disease. Therefore, it has been classified as a Variant of Uncertain Significance.

Dasa
Classification: Uncertain significance for Van Maldergem syndrome 1. Last evaluated: 2025-10-31. Review status: criteria provided, single submitter. Criteria: DASA Assertion Criteria. Collection method: clinical testing. Allele origin: germline.
Comment: NM_003737.4(DCHS1):c.977G>A (p.Arg326Gln) is a missense variant that results in the substitution of arginine with glutamine. This variant is rare in population databases. Computational prediction algorithms are consistent with a benign effect. The currently available literature and clinical evidence are not sufficient to establish a definitive association between this variant and the reported condition. Therefore, this variant is classified as a variant of uncertain significance.

Ambry Genetics
Classification: Uncertain significance for Inborn genetic diseases. Last evaluated: 2023-12-20. Review status: criteria provided, single submitter. Criteria: Ambry Variant Classification Scheme 2023. Collection method: clinical testing. Allele origin: germline.